The following is an entry in ClinVar:

NM_020297.4(ABCC9):c.2631G>A (p.Thr877=)

Gene: ABCC9 (ATP binding cassette subfamily C member 9; minus strand). Cytogenetic location: 12p12.1.
Variant type: single nucleotide variant.
Coding change: c.2631G>A on transcript NM_020297.4 (MANE Select); coding-DNA position 2631, G replaced by A.
Protein change: p.Thr877=; no amino-acid change (threonine 877 retained).
Molecular consequence: synonymous variant.
Genome position (GRCh38, 1-based): chr12:21,852,380, C>T on the plus strand (G>A on the coding strand, the complement: ABCC9 is on the minus strand). VCF-style: chr12-21852380-C-T. GRCh37 (hg19) VCF-style: chr12-22005314-C-T.
Other names: p.T877T:ACG>ACA; p.Thr877=; c.2631G>A, p.Thr877= (NM_001377273.1, NM_005691.4); c.1764G>A, p.Thr588= (NM_001377274.1); c.2631G>A (NM_020297.3).
Identifiers: ClinVar variation 35630 (VCV000035630.30), dbSNP rs139408145, ClinGen allele CA282538.

ClinVar aggregate classification (germline): Benign/Likely benign. Review status: criteria provided, multiple submitters, no conflicts (2 of 4 stars). 13 submissions from 12 submitters: Benign (7); Likely benign (3). 3 of the submissions do not count toward it. Last evaluated 2026-02-03.

Conditions:
ABCC9-related disorder. Also called: ABCC9-related disorders; ABCC9-related condition.
Cardiovascular phenotype. Identifiers: MedGen CN230736.
Cardiomyopathy (CMYO). Also called: Cardiomyopathies. Identifiers: Orphanet 167848, MedGen C0878544, MONDO:0004994, HP:0001638. Inheritance: Various modes of inheritance.
Hypertrichotic osteochondrodysplasia Cantu type. Also called: Cantú Syndrome; Cantu Syndrome. Identifiers: Orphanet 1517, MedGen C0795905, MONDO:0009406, OMIM 239850.
Dilated cardiomyopathy 1O (CMD1O). Also called: CARDIOMYOPATHY, DILATED, WITH VENTRICULAR TACHYCARDIA. Identifiers: Orphanet 154, MedGen C1837839, MONDO:0012062, OMIM 608569.

Allele frequency attached by ClinVar (database versions not stated): ESP Exome Variant Server 0.00123; gnomAD 0.00386 and 0.00412; TOPMed 0.00573; 1000 Genomes Project 0.00919; ExAC 0.00950; 1000 Genomes Project 30x 0.01077; gnomAD exomes 0.01227.
gnomAD v4.1: 4,859 of 1,613,838 alleles (0.3%); highest among the groups gnomAD compares: Admixed American, 6%; 166 homozygotes.

Submissions (13):

Labcorp Genetics (formerly Invitae), Labcorp
Classification: Benign for Dilated cardiomyopathy 1O. Last evaluated: 2026-02-03. Review status: criteria provided, single submitter. Criteria: Invitae Variant Classification Sherloc (09022015). Collection method: clinical testing. Allele origin: germline.

PreventionGenetics, part of Exact Sciences
Classification: Benign for ABCC9-related condition. Last evaluated: 2025-01-22. Review status: criteria provided, single submitter. Criteria: ACMG Guidelines, 2015. Collection method: clinical testing. Allele origin: germline.
Comment: This variant is classified as benign based on ACMG/AMP sequence variant interpretation guidelines (Richards et al. 2015 PMID: 25741868, with internal and published modifications).

Illumina Laboratory Services, Illumina
Classification: Likely benign for Hypertrichotic osteochondrodysplasia Cantu type. Last evaluated: 2017-04-27. Review status: criteria provided, single submitter. Criteria: ICSL Variant Classification Criteria 13 December 2019. Collection method: clinical testing. Allele origin: germline.
Comment: This variant was observed as part of a predisposition screen in an ostensibly healthy population. A literature search was performed for the gene, cDNA change, and amino acid change (where applicable). No publications were found based on this search. Allele frequency data from public databases allowed determination this variant is unlikely to cause disease. Therefore, this variant is classified as likely benign.

Illumina Laboratory Services, Illumina
Classification: Likely benign for Dilated cardiomyopathy 1O. Last evaluated: 2017-04-27. Review status: criteria provided, single submitter. Criteria: ICSL Variant Classification Criteria 13 December 2019. Collection method: clinical testing. Allele origin: germline.
Comment: This variant was observed as part of a predisposition screen in an ostensibly healthy population. A literature search was performed for the gene, cDNA change, and amino acid change (where applicable). Publications were found based on this search. The evidence from the literature, in combination with allele frequency data from public databases where available, was sufficient to determine this variant is unlikely to cause disease. Therefore, this variant is classified as likely benign.

Mayo Clinic Laboratories, Mayo Clinic
Classification: Benign. Last evaluated: 2016-10-27. Review status: criteria provided, single submitter. Criteria: ACMG Guidelines, 2015. Collection method: clinical testing. Allele origin: germline. Observed: 12 variant alleles.

CHEO Genetics Diagnostic Laboratory, Children's Hospital of Eastern Ontario
Classification: Benign for Cardiomyopathy. Last evaluated: 2016-02-26. Review status: criteria provided, single submitter. Criteria: ACMG Guidelines, 2015. Collection method: clinical testing. Allele origin: germline. Study: Canadian Open Genetics Repository.

Ambry Genetics
Classification: Benign for Cardiovascular phenotype. Last evaluated: 2015-10-08. Review status: criteria provided, single submitter. Criteria: Ambry Variant Classification Scheme 2023. Collection method: clinical testing. Allele origin: germline.

GeneDx
Classification: Benign. Last evaluated: 2014-01-28. Review status: criteria provided, single submitter. Criteria: GeneDx Variant Classification (06012015). Collection method: clinical testing. Allele origin: germline. Affected: yes.
Comment: This variant is considered likely benign or benign based on one or more of the following criteria: it is a conservative change, it occurs at a poorly conserved position in the protein, it is predicted to be benign by multiple in silico algorithms, and/or has population frequency not consistent with disease.

Laboratory for Molecular Medicine, Mass General Brigham Personalized Medicine
Classification: Benign. Last evaluated: 2012-08-14. Review status: criteria provided, single submitter. Criteria: LMM Criteria. Collection method: clinical testing. Allele origin: germline. Observed: 26 variant alleles.
Comment: Thr877Thr in Exon 21 of ABCC9: This variant is not expected to have clinical sig nificance because it does not alter an amino acid residue, is not located within the splice consensus sequence and has been identified in 0.3% (13/4406) of Afri can American chromosomes from a broad population by the NHLBI Exome Sequencing P roject (dbSNP rs139408145).

Breakthrough Genomics
Classification: Likely benign. Review status: criteria provided, single submitter. Criteria: ACMG Guidelines, 2015. Collection method: not provided. Allele origin: germline. Inheritance: Autosomal recessive inheritance. Affected: yes.

Women's Health and Genetics/Laboratory Corporation of America, LabCorp
Classification: Benign for Cardiomyopathy. Last evaluated: 2015-06-02. Review status: no assertion criteria provided. Collection method: clinical testing. Allele origin: germline. Not counted in ClinVar's aggregate classification.

Clinical Genetics DNA and cytogenetics Diagnostics Lab, Erasmus MC, Erasmus Medical Center
Classification: Benign. Review status: no assertion criteria provided. Collection method: clinical testing. Allele origin: germline. Affected: yes. Study: VKGL Data-share Consensus. Not counted in ClinVar's aggregate classification.

Clinical Genetics, Academic Medical Center
Classification: Benign. Review status: no assertion criteria provided. Collection method: clinical testing. Allele origin: germline. Affected: yes. Study: VKGL Data-share Consensus. Not counted in ClinVar's aggregate classification.

Literature cited by the submitters: PubMed 20474083 (cited by Illumina Laboratory Services, Illumina).